The following is an entry in ClinVar:

ClinVar aggregate classification (germline): Uncertain significance. Review status: criteria provided, multiple submitters, no conflicts (2 of 4 stars). 2 submissions from 2 submitters: Uncertain significance (2). Last evaluated 2025-02-27.

Conditions:
Melnick-Needles syndrome (MNS). Also called: Melnick-Needles Syndrome (FLNA-MNS); MELNICK-NEEDLES OSTEODYSPLASTY; OSTEODYSPLASTY OF MELNICK AND NEEDLES. Identifiers: Orphanet 2484, MedGen C0025237, MONDO:0010650, OMIM 309350.
Oto-palato-digital syndrome, type II (OPD2). Also called: Otopalatodigital Syndrome Type 2 (FLNA-OPD2); FACIOPALATOOSSEOUS SYNDROME; OPD II SYNDROME; Otopalatodigital Syndrome, Type II. Identifiers: Orphanet 669, Orphanet 90652, MedGen C1844696, MONDO:0010571, OMIM 304120.
Heterotopia, periventricular, X-linked dominant (PVNH1). Also called: PERIVENTRICULAR NODULAR HETEROTOPIA 1; X-linked periventricular heterotopia; PERIVENTRICULAR NODULAR HETEROTOPIA 4; HETEROTOPIA, PERIVENTRICULAR, 1. Identifiers: Orphanet 2149, Orphanet 82004, MedGen C1848213, MONDO:0010233, OMIM 300049.
Frontometaphyseal dysplasia (FMD1). Identifiers: Orphanet 1826, MedGen C0265293, MONDO:0015942.

Submissions (3):

Labcorp Genetics (formerly Invitae), Labcorp
Classification: Uncertain significance for Oto-palato-digital syndrome, type II; Heterotopia, periventricular, X-linked dominant; Frontometaphyseal dysplasia; Melnick-Needles syndrome. Last evaluated: 2025-02-27. Review status: criteria provided, single submitter. Criteria: Invitae Variant Classification Sherloc (09022015). Collection method: clinical testing. Allele origin: germline.
Comment: This sequence change falls in intron 41 of the FLNA gene. It does not directly change the encoded amino acid sequence of the FLNA protein. It affects a nucleotide within the consensus splice site. This variant is present in population databases (rs782444430, gnomAD 0.001%). This variant has not been reported in the literature in individuals affected with FLNA-related conditions. ClinVar contains an entry for this variant (Variation ID: 3372927). Variants that disrupt the consensus splice site are a relatively common cause of aberrant splicing (PMID: 17576681, 9536098). Algorithms developed to predict the effect of sequence changes on RNA splicing suggest that this variant may disrupt the consensus splice site. In summary, the available evidence is currently insufficient to determine the role of this variant in disease. Therefore, it has been classified as a Variant of Uncertain Significance.

GeneDx
Classification: Uncertain significance. Last evaluated: 2024-04-30. Review status: criteria provided, single submitter. Criteria: GeneDx Variant Classification Process June 2021. Collection method: clinical testing. Allele origin: germline. Affected: yes.
Comment: Not observed at significant frequency in large population cohorts (gnomAD); Has not been previously published as pathogenic or benign to our knowledge; In silico analysis suggests this variant may impact gene splicing. In the absence of RNA/functional studies, the actual effect of this sequence change is unknown.

Dr. Peter K. Rogan Lab, Western University
No classification provided (evidence only). Condition: Clear cell carcinoma of kidney. Review status: no classification provided. Collection method: in vitro. Allele origin: not applicable. Functional consequence: skipped exon, retained intron. Not counted in ClinVar's aggregate classification.

Literature cited by the submitters: PubMed 17576681 (cited by Labcorp Genetics (formerly Invitae), Labcorp); PubMed 9536098 (cited by Labcorp Genetics (formerly Invitae), Labcorp).

NM_001110556.2(FLNA):c.6907+3A>C

Gene: FLNA (filamin A; minus strand). Cytogenetic location: Xq28.
Variant type: single nucleotide variant.
Coding change: c.6907+3A>C on transcript NM_001110556.2 (MANE Select); 3 bases into the intron after coding-DNA position 6907, A replaced by C.
Molecular consequence: intron variant.
Genome position (GRCh38, 1-based): chrX:154,351,881, T>G on the plus strand (A>C on the coding strand, the complement: FLNA is on the minus strand). VCF-style: chrX-154351881-T-G. GRCh37 (hg19) VCF-style: chrX-153580249-T-G.
Other names: c.6883+3A>C (NM_001456.4).
Identifiers: ClinVar variation 3372927 (VCV003372927.4).